The following is an entry in ClinVar:

NM_001353345.2(SETD1B):c.2423G>T (p.Gly808Val)

Gene: SETD1B (SET domain containing 1B, histone lysine methyltransferase; plus strand). Cytogenetic location: 12q24.31.
Variant type: single nucleotide variant.
Coding change: c.2423G>T on transcript NM_001353345.2 (MANE Select); coding-DNA position 2423, G replaced by T.
Protein change: p.Gly808Val; replaces glycine 808 with valine.
Molecular consequence: missense variant.
Genome position (GRCh38, 1-based): chr12:121,814,638, G>T. VCF-style: chr12-121814638-G-T. GRCh37 (hg19) VCF-style: chr12-122252544-G-T.
Other names: short protein forms G808V.
Identifiers: ClinVar variation 4882863 (VCV004882863.2).

ClinVar aggregate classification (germline): Uncertain significance (1 of 4 stars; one submission).

Submission:

Dasa
Classification: Uncertain significance. Last evaluated: 2025-01-30. Review status: criteria provided, single submitter. Criteria: DASA Assertion Criteria. Collection method: clinical testing. Allele origin: germline.
Comment: NM_001353345.2(SETD1B):c.2423G>T (p.Gly808Val) is a missense variant that results in the substitution of glycine with valine. This variant is absent from population databases. The currently available literature and clinical evidence are not sufficient to establish a definitive association between this variant and the reported condition. Therefore, this variant is classified as a variant of uncertain significance.